The following is an entry in ClinVar:

NM_017662.5(TRPM6):c.3093T>C (p.Asp1031=)

Gene: TRPM6 (transient receptor potential cation channel subfamily M member 6; minus strand). Cytogenetic location: 9q21.13.
Variant type: single nucleotide variant.
Coding change: c.3093T>C on transcript NM_017662.5 (MANE Select); coding-DNA position 3093, T replaced by C.
Protein change: p.Asp1031=; no amino-acid change (aspartic acid 1031 retained).
Molecular consequence: synonymous variant.
Genome position (GRCh38, 1-based): chr9:74,782,680, A>G on the plus strand (T>C on the coding strand, the complement: TRPM6 is on the minus strand). VCF-style: chr9-74782680-A-G. GRCh37 (hg19) VCF-style: chr9-77397596-A-G.
Other names: c.3078T>C, p.Asp1026= (NM_001177310.2, NM_001177311.2).
Identifiers: ClinVar variation 3348033 (VCV003348033.1).

ClinVar aggregate classification (germline): Likely benign (0 of 4 stars; one submission).

Conditions:
TRPM6-related disorder. Also called: TRPM6-related condition.

gnomAD v4.1: 18 of 1,613,986 alleles (0.0011%); highest among the groups gnomAD compares: Non-Finnish European, 0.0014%; no homozygotes.

Submission:

PreventionGenetics, part of Exact Sciences
Classification: Likely benign for TRPM6-related condition. Last evaluated: 2023-10-04. Review status: no assertion criteria provided. Collection method: clinical testing. Allele origin: germline.
Comment: This variant is classified as likely benign based on ACMG/AMP sequence variant interpretation guidelines (Richards et al. 2015 PMID: 25741868, with internal and published modifications).